The following is an entry in ClinVar:

ClinVar aggregate classification (germline): Uncertain significance (1 of 4 stars; one submission).

gnomAD v4.1: 1 of 1,153,413 alleles (0.000087%); highest among the groups gnomAD compares: Admixed American, 0.0026%; no homozygotes.

Submission:

Women's Health and Genetics/Laboratory Corporation of America, LabCorp
Classification: Uncertain significance. Last evaluated: 2026-04-22. Review status: criteria provided, single submitter. Criteria: LabCorp Variant Classification Summary - May 2015. Collection method: clinical testing. Allele origin: germline.
Comment: Variant summary: NHS c.10G>A (p.Ala4Thr) results in a non-conservative amino acid change in the encoded protein sequence. Algorithms developed to predict the effect of missense changes on protein structure and function are either unavailable or do not agree on the potential impact of this missense change. The variant was absent in 93421 control chromosomes. The available data on variant occurrences in the general population are insufficient to allow any conclusion about variant significance. To our knowledge, no occurrence of c.10G>A in individuals affected with NHS-related conditions and no experimental evidence demonstrating its impact on protein function have been reported. No submitters have cited clinical-significance assessments for this variant to ClinVar. Based on the evidence outlined above, the variant was classified as uncertain significance.

NM_001291867.2(NHS):c.10G>A (p.Ala4Thr)

Gene: NHS (NHS actin remodeling regulator; plus strand). Cytogenetic location: Xp22.2.
Variant type: single nucleotide variant.
Coding change: c.10G>A on transcript NM_001291867.2 (MANE Select); coding-DNA position 10, G replaced by A.
Protein change: p.Ala4Thr; replaces alanine 4 with threonine.
Molecular consequence: missense variant.
Genome position (GRCh38, 1-based): chrX:17,375,767, G>A. VCF-style: chrX-17375767-G-A. GRCh37 (hg19) VCF-style: chrX-17393890-G-A.
Other names: c.10G>A, p.Ala4Thr (NM_198270.4); short protein forms A4T.
Identifiers: ClinVar variation 4849176 (VCV004849176.1).